The following is an entry in ClinVar:

ClinVar aggregate classification (germline): Likely benign. Review status: criteria provided, multiple submitters, no conflicts (2 of 4 stars). 2 submissions from 2 submitters: Likely benign (2). Last evaluated 2023-12-13.

Conditions:
Hypercholesterolemia, autosomal dominant, 3 (FHCL3). Also called: Familial Hypercholesterolemia, Autosomal Dominant, 3; PCSK9-Related Familial Hypercholesterolemia, Autosomal Dominant; Familial hypercholesterolemia 3. Identifiers: MedGen C1863551, MONDO:0011369, OMIM 603776.
Familial hypercholesterolemia. Also called: Familial hypercholesterolaemia; Familial hypercholesterolemias. Identifiers: MedGen C0020445, MONDO:0005439.

Allele frequency attached by ClinVar (database versions not stated): TOPMed below 0.00001; gnomAD 0.00001; gnomAD exomes 0.00004.

Submissions (2):

All of Us Research Program, National Institutes of Health
Classification: Likely benign for Hypercholesterolemia, autosomal dominant, 3. Last evaluated: 2023-12-13. Review status: criteria provided, single submitter. Criteria: ACMG Guidelines, 2015. Collection method: clinical testing. Allele origin: germline. Inheritance: Autosomal dominant inheritance. Observed: 3 variant alleles, 3 heterozygotes.
Comment: This study involves interpretation of variants in research participants for the purpose of population health screening. Participant phenotype was not available at the time of variant classification. Additional details can be found in publication PMID: 35346344, PMCID: PMC8962531

Color Diagnostics, LLC DBA Color Health
Classification: Likely benign for Familial hypercholesterolemia. Last evaluated: 2022-09-22. Review status: criteria provided, single submitter. Criteria: ACMG Guidelines, 2015. Collection method: clinical testing. Allele origin: germline.

NM_174936.4(PCSK9):c.89_92dup (p.Gln31fs)

Gene: PCSK9 (proprotein convertase subtilisin/kexin type 9; plus strand). Cytogenetic location: 1p32.3.
Variant type: Duplication.
Coding change: c.89_92dup on transcript NM_174936.4 (MANE Select); coding-DNA positions 89 to 92, 4 bases duplicated (CGCA; older notation c.89_92dupCGCA).
Protein change: p.Gln31fs; shifts the reading frame from glutamine 31.
Molecular consequence: frameshift variant.
Genome position (GRCh38, 1-based): chr1:55,039,926-55,039,929, CGCA duplicated. VCF-style (leftmost placement, unchanged base first): chr1-55039925-G-GCGCA. GRCh37 (hg19) VCF-style: chr1-55505598-G-GCGCA.
Other names: short protein forms Q31fs.
Identifiers: ClinVar variation 3075524 (VCV003075524.2), dbSNP rs1344705474, ClinGen allele CA523275415.